The following is an entry in ClinVar:

ClinVar aggregate classification (germline): Uncertain significance (1 of 4 stars; one submission).

Submission:

Ambry Genetics
Classification: Uncertain significance. Last evaluated: 2024-11-28. Review status: criteria provided, single submitter. Criteria: Ambry Variant Classification Scheme 2023. Collection method: clinical testing. Allele origin: germline.
Comment: The p.H1318Y variant (also known as c.3952C>T), located in coding exon 14 of the CDK12 gene, results from a C to T substitution at nucleotide position 3952. The histidine at codon 1318 is replaced by tyrosine, an amino acid with similar properties. This amino acid position is conserved. In addition, this alteration is predicted to be tolerated by in silico analysis. Based on the available evidence, the clinical significance of this variant remains unclear.

NM_016507.4(CDK12):c.3952C>T (p.His1318Tyr)

Gene: CDK12 (cyclin dependent kinase 12; plus strand). Cytogenetic location: 17q12.
Variant type: single nucleotide variant.
Coding change: c.3952C>T on transcript NM_016507.4 (MANE Select); coding-DNA position 3952, C replaced by T.
Protein change: p.His1318Tyr; replaces histidine 1318 with tyrosine.
Molecular consequence: missense variant.
Genome position (GRCh38, 1-based): chr17:39,530,795, C>T. VCF-style: chr17-39530795-C-T. GRCh37 (hg19) VCF-style: chr17-37687048-C-T.
Other names: c.3925C>T, p.His1309Tyr (NM_015083.4); short protein forms H1309Y, H1318Y.
Identifiers: ClinVar variation 3489311 (VCV003489311.1).